The following is an entry in ClinVar:

NM_000504.4(F10):c.396C>T (p.Asp132=)

Gene: F10 (coagulation factor X; plus strand). Cytogenetic location: 13q34.
Variant type: single nucleotide variant.
Coding change: c.396C>T on transcript NM_000504.4 (MANE Select); coding-DNA position 396, C replaced by T.
Protein change: p.Asp132=; no amino-acid change (aspartic acid 132 retained).
Molecular consequence: synonymous variant. On other transcripts: intron variant (1).
Genome position (GRCh38, 1-based): chr13:113,140,944, C>T. VCF-style: chr13-113140944-C-T. GRCh37 (hg19) VCF-style: chr13-113795258-C-T.
Other names: c.396C>T (LRG_548t1); c.396C>T, p.Asp132= (NM_001312675.2); c.370+1474C>T (NM_001312674.2).
Identifiers: ClinVar variation 311273 (VCV000311273.12), dbSNP rs111737184, ClinGen allele CA7060470.

ClinVar aggregate classification (germline): Benign/Likely benign. Review status: criteria provided, multiple submitters, no conflicts (2 of 4 stars). 5 submissions from 5 submitters: Benign (1); Likely benign (3). 1 of the submissions does not count toward it. Last evaluated 2024-09-17.

Conditions:
F10-related disorder. Also called: F10-related condition.
Hereditary factor X deficiency disease. Also called: Congenital factor X deficiency; STUART-PROWER FACTOR DEFICIENCY. Identifiers: Orphanet 328, MedGen C0272327, MONDO:0009212, OMIM 227600.

Allele frequency attached by ClinVar (database versions not stated): gnomAD exomes 0.00063; ExAC 0.00083; 1000 Genomes Project 0.00200; 1000 Genomes Project 30x 0.00250; gnomAD 0.00267 and 0.00287; TOPMed 0.00289; ESP Exome Variant Server 0.00315.
gnomAD v4.1: 754 of 1,614,142 alleles (0.047%); highest among the groups gnomAD compares: African/African-American, 0.89%; 4 homozygotes.

Submissions (5):

Blueprint Genetics
Classification: Likely benign. Last evaluated: 2024-09-17. Review status: criteria provided, single submitter. Criteria: ACMG Guidelines, 2015. Collection method: clinical testing. Allele origin: germline.

Labcorp Genetics (formerly Invitae), Labcorp
Classification: Benign. Last evaluated: 2018-08-16. Review status: criteria provided, single submitter. Criteria: Invitae Variant Classification Sherloc (09022015). Collection method: clinical testing. Allele origin: germline.

Illumina Laboratory Services, Illumina
Classification: Likely benign for Hereditary factor X deficiency disease. Last evaluated: 2018-01-13. Review status: criteria provided, single submitter. Criteria: ICSL Variant Classification Criteria 13 December 2019. Collection method: clinical testing. Allele origin: germline.
Comment: This variant was observed in the ICSL laboratory as part of a predisposition screen in an ostensibly healthy population. It had not been previously curated by ICSL or reported in the Human Gene Mutation Database (HGMD: prior to June 1st, 2018), and was therefore a candidate for classification through an automated scoring system. Utilizing variant allele frequency, disease prevalence and penetrance estimates, and inheritance mode, an automated score was calculated to assess if this variant is too frequent to cause the disease. Based on the score and internal cut-off values, a variant classified as likely benign is not then subjected to further curation. The score for this variant resulted in a classification of likely benign for this disease.

Breakthrough Genomics
Classification: Likely benign. Review status: criteria provided, single submitter. Criteria: ACMG Guidelines, 2015. Collection method: not provided. Allele origin: germline. Inheritance: Autosomal recessive inheritance. Affected: yes.

PreventionGenetics, part of Exact Sciences
Classification: Likely benign for F10-related condition. Last evaluated: 2023-12-06. Review status: no assertion criteria provided. Collection method: clinical testing. Allele origin: germline. Not counted in ClinVar's aggregate classification.
Comment: This variant is classified as likely benign based on ACMG/AMP sequence variant interpretation guidelines (Richards et al. 2015 PMID: 25741868, with internal and published modifications).